The following is an entry in ClinVar:

ClinVar aggregate classification (germline): Conflicting classifications of pathogenicity. Review status: criteria provided, conflicting classifications (1 of 4 stars). 3 submissions from 3 submitters: Pathogenic (1); Uncertain significance (2). Last evaluated 2026-01-26.

Allele frequency attached by ClinVar (database versions not stated): gnomAD exomes 0.00002; TOPMed 0.00002; gnomAD 0.00003; ExAC 0.00005.
gnomAD v4.1: 28 of 1,609,896 alleles (0.0017%); highest among the groups gnomAD compares: African/African-American, 0.004%; no homozygotes.

Submissions (3):

Labcorp Genetics (formerly Invitae), Labcorp
Classification: Pathogenic. Last evaluated: 2026-01-26. Review status: criteria provided, single submitter. Criteria: Invitae Variant Classification Sherloc (09022015). Collection method: clinical testing. Allele origin: germline.
Comment: This sequence change replaces arginine, which is basic and polar, with histidine, which is basic and polar, at codon 271 of the COQ8A protein (p.Arg271His). This variant is present in population databases (rs765859566, gnomAD 0.004%). This missense change has been observed in individual(s) with clinical features of coenzyme Q10 deficiency (PMID: 34663476; internal data). In at least one individual the data is consistent with being in trans (on the opposite chromosome) from a pathogenic variant. ClinVar contains an entry for this variant (Variation ID: 931276). Invitae Evidence Modeling of protein sequence and biophysical properties (such as structural, functional, and spatial information, amino acid conservation, physicochemical variation, residue mobility, and thermodynamic stability) indicates that this missense variant is expected to disrupt COQ8A protein function with a positive predictive value of 80%. This variant disrupts the p.Arg271 amino acid residue in COQ8A. Other variant(s) that disrupt this residue have been determined to be pathogenic (PMID: 22036850, 29915382, 30548255, 32337771). This suggests that this residue is clinically significant, and that variants that disrupt this residue are likely to be disease-causing. For these reasons, this variant has been classified as Pathogenic.

Blueprint Genetics
Classification: Uncertain significance. Last evaluated: 2024-11-26. Review status: criteria provided, single submitter. Criteria: ACMG Guidelines, 2015. Collection method: clinical testing. Allele origin: germline.

Centre for Mendelian Genomics, University Medical Centre Ljubljana
Classification: Uncertain significance. Last evaluated: 2019-01-09. Review status: criteria provided, single submitter. Criteria: ACMG Guidelines, 2015. Collection method: clinical testing. Allele origin: unknown. Affected: yes.
Comment: This variant was classified as: Uncertain significance. The available evidence favors the pathogenic nature of this variant, however the currently available data is insufficient to conclusively support its pathogenic nature. Thus this variant is classified as Uncertain significance - favor pathogenic. The following ACMG criteria were applied in classifying this variant: PM2,PP3.

Literature cited by the submitters: PubMed 34663476 (cited by Labcorp Genetics (formerly Invitae), Labcorp); PubMed 22036850 (cited by Labcorp Genetics (formerly Invitae), Labcorp); PubMed 29915382 (cited by Labcorp Genetics (formerly Invitae), Labcorp); PubMed 30548255 (cited by Labcorp Genetics (formerly Invitae), Labcorp); PubMed 32337771 (cited by Labcorp Genetics (formerly Invitae), Labcorp).

NM_020247.5(COQ8A):c.812G>A (p.Arg271His)

Gene: COQ8A (coenzyme Q8A; plus strand). Cytogenetic location: 1q42.13.
Variant type: single nucleotide variant.
Coding change: c.812G>A on transcript NM_020247.5 (MANE Select); coding-DNA position 812, G replaced by A.
Protein change: p.Arg271His; replaces arginine 271 with histidine.
Molecular consequence: missense variant.
Genome position (GRCh38, 1-based): chr1:226,982,108, G>A. VCF-style: chr1-226982108-G-A. GRCh37 (hg19) VCF-style: chr1-227169809-G-A.
Other names: short protein forms R271H.
Identifiers: ClinVar variation 931276 (VCV000931276.8), dbSNP rs765859566, ClinGen allele CA1425163.